The following is an entry in ClinVar:

ClinVar aggregate classification (germline): Uncertain significance (1 of 4 stars; one submission).

Conditions:
Hereditary cancer-predisposing syndrome. Also called: Neoplastic Syndromes, Hereditary; Tumor predisposition; Hereditary neoplastic syndrome; Hereditary Cancer Syndrome. Identifiers: Orphanet 140162, MedGen C0027672, MeSH D009386, MONDO:0015356.

Submission:

Ambry Genetics
Classification: Uncertain significance for Hereditary cancer-predisposing syndrome. Last evaluated: 2026-06-11. Review status: criteria provided, single submitter. Criteria: Ambry Variant Classification Scheme 2023. Collection method: clinical testing. Allele origin: germline.
Comment: The c.179_181delCGG variant (also known as p.A60del) is located in coding exon 2 of the CDKN2A gene. This variant results from an in-frame CGG deletion at nucleotide positions 179 to 181. This results in the in-frame deletion of an alanine at codon 60. Of note, this variant is also known as c.222_224del (p.G75del) in the p14(ARF) isoform. This amino acid position is highly conserved in available vertebrate species. In addition, this variant is predicted to be deleterious by in silico analysis (Choi Y et al. PLoS ONE. 2012; 7(10):e46688). Based on the available evidence, the clinical significance of this variant remains unclear.

NM_000077.5(CDKN2A):c.179_181del (p.Ala60del)

Gene: CDKN2A (cyclin dependent kinase inhibitor 2A; minus strand). Cytogenetic location: 9p21.3.
Variant type: Deletion.
Coding change: c.179_181del on transcript NM_000077.5; coding-DNA positions 179 to 181, 3 bases deleted (CGG; older notation c.179_181delCGG).
Protein change: p.Ala60del; deletes alanine 60.
Molecular consequence: inframe indel (on NM_000077.4). On other transcripts: inframe deletion (3), 3 prime UTR variant (1).
Genome position (GRCh38, 1-based): chr9:21,971,178-21,971,180, CCG deleted on the plus strand (CGG on the coding strand, the reverse complement: CDKN2A is on the minus strand); deleting any 3 consecutive bases within chr9:21,971,178-21,971,182 gives the same sequence; the c. name uses the placement nearest the transcript's 3' end. VCF-style (leftmost placement, unchanged base first): chr9-21971177-TCCG-T. GRCh37 (hg19) VCF-style: chr9-21971176-TCCG-T.
Other names: c.179_181delCGG (NM_000077.4); c.177_179delGGC, p.Ala60del (NM_000077.6); c.179_181del, p.Ala60del (NM_001195132.2); c.26_28del, p.Ala9del (NM_001363763.2); c.222_224del, p.Gly75del (NM_058195.4); c.*102_*104del (NM_058197.5); short protein forms A60del, A9del, G75del.
Identifiers: ClinVar variation 4868655 (VCV004868655.1).